The following is an entry in ClinVar:

ClinVar aggregate classification (germline): Uncertain significance (1 of 4 stars; one submission).

Submission:

GeneDx
Classification: Uncertain significance. Last evaluated: 2026-04-03. Review status: criteria provided, single submitter. Criteria: GeneDx Variant Classification Process June 2021. Collection method: clinical testing. Allele origin: germline.
Comment: Not observed at significant frequency in large population cohorts (gnomAD); In silico analysis supports that this missense variant has a deleterious effect on protein structure/function; Has not been previously published as pathogenic or benign to our knowledge

NM_001375524.1(TRRAP):c.295A>G (p.Arg99Gly)

Gene: TRRAP (transformation/transcription domain associated protein; plus strand). Cytogenetic location: 7q22.1.
Variant type: single nucleotide variant.
Coding change: c.295A>G on transcript NM_001375524.1 (MANE Select); coding-DNA position 295, A replaced by G.
Protein change: p.Arg99Gly; replaces arginine 99 with glycine.
Molecular consequence: missense variant.
Genome position (GRCh38, 1-based): chr7:98,892,457, A>G. VCF-style: chr7-98892457-A-G. GRCh37 (hg19) VCF-style: chr7-98490080-A-G.
Other names: c.295A>G, p.Arg99Gly (NM_001244580.2, NM_003496.4); short protein forms R99G.
Identifiers: ClinVar variation 5018205 (VCV005018205.1).